The following is an entry in ClinVar:

ClinVar aggregate classification (germline): Uncertain significance. Review status: criteria provided, multiple submitters, no conflicts (2 of 4 stars). 2 submissions from 2 submitters: Uncertain significance (2). Last evaluated 2024-08-26.

Conditions:
Dyskeratosis congenita, autosomal dominant 1 (DKCA1). Also called: Dyskeratosis congenita Scoggins type. Identifiers: Orphanet 1775, MedGen C4551974, MONDO:0007485, OMIM 127550. Inheritance: Variable.

Submissions (2):

Blueprint Genetics
Classification: Uncertain significance. Last evaluated: 2024-08-26. Review status: criteria provided, single submitter. Criteria: ACMG Guidelines, 2015. Collection method: clinical testing. Allele origin: germline.

Labcorp Genetics (formerly Invitae), Labcorp
Classification: Uncertain significance for Dyskeratosis congenita, autosomal dominant 1. Last evaluated: 2024-04-23. Review status: criteria provided, single submitter. Criteria: Invitae Variant Classification Sherloc (09022015). Collection method: clinical testing. Allele origin: germline.
Comment: This variant occurs in the TERC gene, which encodes an RNA molecule that does not result in a protein product. This variant is not present in population databases (gnomAD no frequency). This variant has not been reported in the literature in individuals affected with TERC-related conditions. ClinVar contains an entry for this variant (Variation ID: 655412). This variant is located within the template/pseudoknot domain of the TERC RNA component, which is required for RNA or RNP stability (PMID: 15082312, 21844345). In summary, the available evidence is currently insufficient to determine the role of this variant in disease. Therefore, it has been classified as a Variant of Uncertain Significance.

Literature cited by the submitters: PubMed 15082312 (cited by Labcorp Genetics (formerly Invitae), Labcorp); PubMed 21844345 (cited by Labcorp Genetics (formerly Invitae), Labcorp).

NC_000003.12:g.169764908C>T

Genes: TERC (telomerase RNA component; minus strand), LOC110806306 (telomerase RNA component (TERC) promoter; plus strand). Cytogenetic location: 3q26.2.
Variant type: single nucleotide variant.
Genome position: GRCh38 VCF-style: chr3-169764908-C-T. GRCh37 (hg19) VCF-style: chr3-169482696-C-T.
Identifiers: ClinVar variation 655412 (VCV000655412.10), dbSNP rs1211790833, ClinGen allele CA436715611.